The following is an entry in ClinVar:

ClinVar aggregate classification (germline): Uncertain significance (1 of 4 stars; one submission).

Submission:

Ambry Genetics
Classification: Uncertain significance. Last evaluated: 2025-02-28. Review status: criteria provided, single submitter. Criteria: Ambry Variant Classification Scheme 2023. Collection method: clinical testing. Allele origin: germline.
Comment: The p.P1290L variant (also known as c.3869C>T), located in coding exon 14 of the CDK12 gene, results from a C to T substitution at nucleotide position 3869. The proline at codon 1290 is replaced by leucine, an amino acid with similar properties. This amino acid position is conserved. In addition, this alteration is predicted to be tolerated by in silico analysis. Based on the available evidence, the clinical significance of this variant remains unclear.

NM_016507.4(CDK12):c.3869C>T (p.Pro1290Leu)

Gene: CDK12 (cyclin dependent kinase 12; plus strand). Cytogenetic location: 17q12.
Variant type: single nucleotide variant.
Coding change: c.3869C>T on transcript NM_016507.4 (MANE Select); coding-DNA position 3869, C replaced by T.
Protein change: p.Pro1290Leu; replaces proline 1290 with leucine.
Molecular consequence: missense variant.
Genome position (GRCh38, 1-based): chr17:39,530,712, C>T. VCF-style: chr17-39530712-C-T. GRCh37 (hg19) VCF-style: chr17-37686965-C-T.
Other names: c.3842C>T, p.Pro1281Leu (NM_015083.4); short protein forms P1281L, P1290L.
Identifiers: ClinVar variation 3830719 (VCV003830719.1).